The following is an entry in ClinVar:

NM_005529.7(HSPG2):c.4541C>T (p.Ala1514Val)

Gene: HSPG2 (heparan sulfate proteoglycan 2; minus strand). Cytogenetic location: 1p36.12.
Variant type: single nucleotide variant.
Coding change: c.4541C>T on transcript NM_005529.7 (MANE Select); coding-DNA position 4541, C replaced by T.
Protein change: p.Ala1514Val; replaces alanine 1514 with valine.
Molecular consequence: missense variant.
Genome position (GRCh38, 1-based): chr1:21,864,928, G>A on the plus strand (C>T on the coding strand, the complement: HSPG2 is on the minus strand). VCF-style: chr1-21864928-G-A. GRCh37 (hg19) VCF-style: chr1-22191421-G-A.
Other names: c.4544C>T, p.Ala1515Val (NM_001291860.2); short protein forms A1514V, A1515V.
Identifiers: ClinVar variation 1950328 (VCV001950328.5), dbSNP rs1251397458, ClinGen allele CA338954627.

ClinVar aggregate classification (germline): Uncertain significance (1 of 4 stars; one submission).

Allele frequency attached by ClinVar (database versions not stated): gnomAD exomes below 0.00001; gnomAD 0.00001.
gnomAD v4.1: 3 of 1,607,428 alleles (0.00019%); highest among the groups gnomAD compares: Admixed American, 0.0017%; no homozygotes.

Submission:

Labcorp Genetics (formerly Invitae), Labcorp
Classification: Uncertain significance. Last evaluated: 2024-06-12. Review status: criteria provided, single submitter. Criteria: Invitae Variant Classification Sherloc (09022015). Collection method: clinical testing. Allele origin: germline.
Comment: This sequence change replaces alanine, which is neutral and non-polar, with valine, which is neutral and non-polar, at codon 1514 of the HSPG2 protein (p.Ala1514Val). The frequency data for this variant in the population databases is considered unreliable, as metrics indicate poor data quality at this position in the gnomAD database. This variant has not been reported in the literature in individuals affected with HSPG2-related conditions. ClinVar contains an entry for this variant (Variation ID: 1950328). An algorithm developed to predict the effect of missense changes on protein structure and function (PolyPhen-2) suggests that this variant is likely to be disruptive. In summary, the available evidence is currently insufficient to determine the role of this variant in disease. Therefore, it has been classified as a Variant of Uncertain Significance.